The following is an entry in ClinVar:

ClinVar aggregate classification (germline): Likely benign (1 of 4 stars; one submission).

Conditions:
Juvenile polyposis syndrome (JPS). Identifiers: Orphanet 2929, MedGen C0345893, MONDO:0017380, OMIM 174900.

Submission:

Myriad Genetics, Inc.
Classification: Likely benign for Juvenile polyposis syndrome. Last evaluated: 2024-08-07. Review status: criteria provided, single submitter. Criteria: Myriad Autosomal Dominant, Autosomal Recessive and X-Linked Classification Criteria (2023). Collection method: clinical testing. Allele origin: unknown.
Comment: This variant is considered likely benign. This variant is intronic and is not expected to impact mRNA splicing.

NM_004329.3(BMPR1A):c.1167-9T>C

Gene: BMPR1A (bone morphogenetic protein receptor type 1A; plus strand). Cytogenetic location: 10q23.2.
Variant type: single nucleotide variant.
Coding change: c.1167-9T>C on transcript NM_004329.3 (MANE Select); 9 bases into the intron before coding-DNA position 1167, T replaced by C.
Molecular consequence: intron variant.
Genome position (GRCh38, 1-based): chr10:86,921,511, T>C. VCF-style: chr10-86921511-T-C. GRCh37 (hg19) VCF-style: chr10-88681268-T-C.
Other names: c.1167-9T>C (NM_001406562.1, NM_001406568.1, NM_001406567.1 and 19 more transcripts); c.1083-9T>C (NM_001406584.1, NM_001406588.1, NM_001406587.1 and 2 more transcripts); c.1215-9T>C (NM_001406560.1); c.1242-9T>C (NM_001406559.1); c.1161-9T>C (NM_001406583.1); c.825-9T>C (NM_001406589.1).
Identifiers: ClinVar variation 3378429 (VCV003378429.1).